The following is an entry in ClinVar:

ClinVar aggregate classification (germline): Uncertain significance. Review status: criteria provided, multiple submitters, no conflicts (2 of 4 stars). 2 submissions from 2 submitters: Uncertain significance (2). Last evaluated 2025-07-08.

Allele frequency attached by ClinVar (database versions not stated): ExAC 0.00001; TOPMed 0.00002; gnomAD 0.00003; gnomAD exomes 0.00005.
gnomAD v4.1: 80 of 1,613,908 alleles (0.005%); highest among the groups gnomAD compares: Non-Finnish European, 0.0064%; no homozygotes.

Submissions (2):

Ambry Genetics
Classification: Uncertain significance. Last evaluated: 2025-07-08. Review status: criteria provided, single submitter. Criteria: Ambry Variant Classification Scheme 2023. Collection method: clinical testing. Allele origin: germline.

Labcorp Genetics (formerly Invitae), Labcorp
Classification: Uncertain significance. Last evaluated: 2023-12-26. Review status: criteria provided, single submitter. Criteria: Invitae Variant Classification Sherloc (09022015). Collection method: clinical testing. Allele origin: germline.
Comment: This sequence change replaces aspartic acid, which is acidic and polar, with histidine, which is basic and polar, at codon 430 of the CYP51A1 protein (p.Asp430His). This variant is present in population databases (rs779212176, gnomAD 0.004%). This variant has not been reported in the literature in individuals affected with CYP51A1-related conditions. An algorithm developed to predict the effect of missense changes on protein structure and function (PolyPhen-2) suggests that this variant is likely to be disruptive. In summary, the available evidence is currently insufficient to determine the role of this variant in disease. Therefore, it has been classified as a Variant of Uncertain Significance.

NM_000786.4(CYP51A1):c.1288G>C (p.Asp430His)

Gene: CYP51A1 (cytochrome P450 family 51 subfamily A member 1; minus strand). Cytogenetic location: 7q21.2.
Variant type: single nucleotide variant.
Coding change: c.1288G>C on transcript NM_000786.4 (MANE Select); coding-DNA position 1288, G replaced by C.
Protein change: p.Asp430His; replaces aspartic acid 430 with histidine.
Molecular consequence: missense variant.
Genome position (GRCh38, 1-based): chr7:92,117,107, C>G on the plus strand (G>C on the coding strand, the complement: CYP51A1 is on the minus strand). VCF-style: chr7-92117107-C-G. GRCh37 (hg19) VCF-style: chr7-91746421-C-G.
Other names: c.973G>C, p.Asp325His (NM_001146152.2); c.1288G>C (NM_000786.3); short protein forms D325H, D430H.
Identifiers: ClinVar variation 2963729 (VCV002963729.4), dbSNP rs779212176, ClinGen allele CA4338373.